The following is an entry in ClinVar:

NM_001130004.2(ACTN1):c.1253G>A (p.Arg418Gln)

Gene: ACTN1 (actinin alpha 1; minus strand). Cytogenetic location: 14q24.1.
Variant type: single nucleotide variant.
Coding change: c.1253G>A on transcript NM_001130004.2 (MANE Select); coding-DNA position 1253, G replaced by A.
Protein change: p.Arg418Gln; replaces arginine 418 with glutamine.
Molecular consequence: missense variant.
Genome position (GRCh38, 1-based): chr14:68,885,557, C>T on the plus strand (G>A on the coding strand, the complement: ACTN1 is on the minus strand). VCF-style: chr14-68885557-C-T. GRCh37 (hg19) VCF-style: chr14-69352274-C-T.
Other names: c.1253G>A, p.Arg418Gln (NM_001102.4, NM_001130005.2, NM_001424012.1 and 7 more transcripts); c.1277G>A, p.Arg426Gln (NM_001411035.1, NM_001424016.1); c.1058G>A, p.Arg353Gln (NM_001411036.1, NM_001424026.1, NM_001424028.1); c.1379G>A, p.Arg460Gln (NM_001424013.1); c.1340G>A, p.Arg447Gln (NM_001424015.1); c.1250G>A, p.Arg417Gln (NM_001424017.1); c.1214G>A, p.Arg405Gln (NM_001424018.1); c.1190G>A, p.Arg397Gln (NM_001424020.1, NM_001424022.1); and 2 more; short protein forms R397Q, R405Q, R417Q, R418Q, R460Q, R426Q, R447Q, R143Q.
Identifiers: ClinVar variation 3703189 (VCV003703189.2).
Genomic context (GRCh38, chr14:68,885,557, plus strand): 5'-TCATGCTTCTTGAGCAGGGCCTTGATCTCCGAGAGGGTGGCGGTCTCATAGTCCTTCTGT[C>T]GCAGCATGGCCTCTTTGCCTGGGTTGAGAGAGGGCCACATGGCTGAGCTGGAGTGAGAAG-3'
Protein context (NP_001123476.1, residues 408-428): AWTDGKEAML[Arg418Gln]QKDYETATLS

ClinVar aggregate classification (germline): Uncertain significance (1 of 4 stars; one submission).

gnomAD v4.1: 10 of 1,613,580 alleles (0.00062%); highest among the groups gnomAD compares: East Asian, 0.0022%; no homozygotes.

Submission:

Labcorp Genetics (formerly Invitae), Labcorp
Classification: Uncertain significance. Last evaluated: 2024-12-18. Review status: criteria provided, single submitter. Criteria: Invitae Variant Classification Sherloc (09022015). Collection method: clinical testing. Allele origin: germline.
Comment: This sequence change replaces arginine, which is basic and polar, with glutamine, which is neutral and polar, at codon 418 of the ACTN1 protein (p.Arg418Gln). This variant is present in population databases (rs768154024, gnomAD 0.003%). This variant has not been reported in the literature in individuals affected with ACTN1-related conditions. Invitae Evidence Modeling of protein sequence and biophysical properties (such as structural, functional, and spatial information, amino acid conservation, physicochemical variation, residue mobility, and thermodynamic stability) indicates that this missense variant is not expected to disrupt ACTN1 protein function with a negative predictive value of 80%. In summary, the available evidence is currently insufficient to determine the role of this variant in disease. Therefore, it has been classified as a Variant of Uncertain Significance.